The following is an entry in ClinVar:

NM_007215.4(POLG2):c.1169G>C (p.Gly390Ala)

Genes: MILR1 (mast cell immunoglobulin like receptor 1; plus strand), POLG2 (DNA polymerase gamma 2, accessory subunit; minus strand). Cytogenetic location: 17q23.3.
Variant type: single nucleotide variant.
Coding change: c.1169G>C on transcript NM_007215.4 (MANE Select); coding-DNA position 1169, G replaced by C.
Protein change: p.Gly390Ala; replaces glycine 390 with alanine.
Molecular consequence: missense variant.
Genome position (GRCh38, 1-based): chr17:64,482,941, C>G on the plus strand (G>C on the coding strand, the complement: POLG2 is on the minus strand). VCF-style: chr17-64482941-C-G. GRCh37 (hg19) VCF-style: chr17-62479058-C-G.
Other names: short protein forms G390A.
Identifiers: ClinVar variation 2700764 (VCV002700764.3), dbSNP rs1450280426, ClinGen allele CA400636998.

ClinVar aggregate classification (germline): Uncertain significance (1 of 4 stars; one submission).

Allele frequency attached by ClinVar (database versions not stated): TOPMed 0.00001.

Submission:

Labcorp Genetics (formerly Invitae), Labcorp
Classification: Uncertain significance. Last evaluated: 2023-12-04. Review status: criteria provided, single submitter. Criteria: Invitae Variant Classification Sherloc (09022015). Collection method: clinical testing. Allele origin: germline.
Comment: This sequence change replaces glycine, which is neutral and non-polar, with alanine, which is neutral and non-polar, at codon 390 of the POLG2 protein (p.Gly390Ala). This variant is not present in population databases (gnomAD no frequency). This variant has not been reported in the literature in individuals affected with POLG2-related conditions. An algorithm developed to predict the effect of missense changes on protein structure and function (PolyPhen-2) suggests that this variant is likely to be disruptive. In summary, the available evidence is currently insufficient to determine the role of this variant in disease. Therefore, it has been classified as a Variant of Uncertain Significance.